The following is an entry in ClinVar:

NM_000143.4(FH):c.556-17T>C

Gene: FH (fumarate hydratase; minus strand). Cytogenetic location: 1q43.
Variant type: single nucleotide variant.
Coding change: c.556-17T>C on transcript NM_000143.4 (MANE Select); 17 bases into the intron before coding-DNA position 556, T replaced by C.
Molecular consequence: intron variant.
Genome position (GRCh38, 1-based): chr1:241,508,802, A>G on the plus strand (T>C on the coding strand, the complement: FH is on the minus strand). VCF-style: chr1-241508802-A-G. GRCh37 (hg19) VCF-style: chr1-241672102-A-G.
Identifiers: ClinVar variation 2143670 (VCV002143670.5), dbSNP rs1000918122, ClinGen allele CA2580063534.

ClinVar aggregate classification (germline): Likely benign. Review status: criteria provided, multiple submitters, no conflicts (2 of 4 stars). 2 submissions from 2 submitters: Likely benign (2). Last evaluated 2024-10-18.

Conditions:
Hereditary leiomyomatosis and renal cell cancer. Also called: FH tumor predisposition syndrome; Multiple cutaneous leiomyomas; Familial leiomyomatosis; MULTIPLE CUTANEOUS AND UTERINE LEIOMYOMATA 1, WITH OR WITHOUT RENAL CELL CARCINOMA; Reed syndrome; Multiple cutaneous and uterine leiomyomatosis. Identifiers: Orphanet 523, MedGen C1708350, MONDO:0007888, OMIM 150800, HP:0007437. Disease mechanism: loss of function.

Submissions (2):

Myriad Genetics, Inc.
Classification: Likely benign for Hereditary leiomyomatosis and renal cell cancer. Last evaluated: 2024-10-18. Review status: criteria provided, single submitter. Criteria: Myriad Autosomal Dominant, Autosomal Recessive and X-Linked Classification Criteria (2023). Collection method: clinical testing. Allele origin: unknown.
Comment: This variant is considered likely benign. This variant is intronic and is not expected to impact mRNA splicing.

Labcorp Genetics (formerly Invitae), Labcorp
Classification: Likely benign. Last evaluated: 2023-11-27. Review status: criteria provided, single submitter. Criteria: Invitae Variant Classification Sherloc (09022015). Collection method: clinical testing. Allele origin: germline.